The following is an entry in ClinVar:

NM_014042.3(ANAPC15):c.192C>T (p.Asp64=)

Genes: ANAPC15 (anaphase promoting complex subunit 15; minus strand), LRTOMT (leucine rich transmembrane and O-methyltransferase domain containing; plus strand). Cytogenetic location: 11q13.4.
Variant type: single nucleotide variant.
Coding change: c.192C>T on transcript NM_014042.3 (MANE Select); coding-DNA position 192, C replaced by T.
Protein change: p.Asp64=; no amino-acid change (aspartic acid 64 retained).
Molecular consequence: synonymous variant. On other transcripts: 3 prime UTR variant (3), 5 prime UTR variant (1), non-coding transcript variant (4).
Genome position (GRCh38, 1-based): chr11:72,110,214, G>A on the plus strand (C>T on the coding strand, the complement: ANAPC15 is on the minus strand). VCF-style: chr11-72110214-G-A. GRCh37 (hg19) VCF-style: chr11-71821260-G-A.
Other names: c.*1289G>A (NM_001145308.5, NM_001145309.4, NM_001145310.4); c.192C>T, p.Asp64= (NM_001278485.2, NM_001278486.2, NM_001278487.2 and 35 more transcripts); c.228C>T, p.Asp76= (NM_001393432.1, NM_001393433.1, NM_001393434.1 and 2 more transcripts); c.-64C>T (NM_001393459.1).
Identifiers: ClinVar variation 3771037 (VCV003771037.13).
Genomic context (GRCh38, chr11:72,110,214, plus strand): 5'-CTCATCATCCTCTGAGTCCTCTTCACTATCCTCATCATCTTCATCATCCTCTTCTTCCTC[G>A]TCATCATAGTGCTGGTGGGCAGGACAGAGCCTGTAAGCCCTACAGGCCTGCATGGACCAG-3'
Protein context (NP_054761.1, residues 54-74): IGKPASEHYD[Asp64=]EEEEDDEDDE

ClinVar aggregate classification (germline): Likely benign (1 of 4 stars; one submission).

gnomAD v4.1: 146 of 1,613,508 alleles (0.009%); highest among the groups gnomAD compares: South Asian, 0.13%; 4 homozygotes.

Submission:

CeGaT Center for Human Genetics Tuebingen
Classification: Likely benign. Last evaluated: 2025-01-01. Review status: criteria provided, single submitter. Criteria: CeGaT Center For Human Genetics Tuebingen Variant Classification Criteria Version 2. Collection method: clinical testing. Allele origin: germline. Affected: yes. Observed: 1 variant allele.
Comment: ANAPC15: BP4, BP7